The following is an entry in ClinVar:

ClinVar aggregate classification (germline): Uncertain significance (1 of 4 stars; one submission).

Conditions:
Primary ciliary dyskinesia. Also called: Ciliary dyskinesia. Identifiers: Orphanet 244, MedGen C0008780, MONDO:0016575, HP:0012265.

Submission:

Ambry Genetics
Classification: Uncertain significance for Primary ciliary dyskinesia. Last evaluated: 2024-05-17. Review status: criteria provided, single submitter. Criteria: Ambry Variant Classification Scheme 2023. Collection method: clinical testing. Allele origin: germline.
Comment: The p.I537F variant (also known as c.1609A>T), located in coding exon 9 of the DNAAF1 gene, results from an A to T substitution at nucleotide position 1609. The isoleucine at codon 537 is replaced by phenylalanine, an amino acid with highly similar properties. This amino acid position is conserved. In addition, this alteration is predicted to be tolerated by in silico analysis. Based on the available evidence, the clinical significance of this variant remains unclear.

NM_178452.6(DNAAF1):c.1609A>T (p.Ile537Phe)

Gene: DNAAF1 (dynein axonemal assembly factor 1; plus strand). Cytogenetic location: 16q24.1.
Variant type: single nucleotide variant.
Coding change: c.1609A>T on transcript NM_178452.6 (MANE Select); coding-DNA position 1609, A replaced by T.
Protein change: p.Ile537Phe; replaces isoleucine 537 with phenylalanine.
Molecular consequence: missense variant.
Genome position (GRCh38, 1-based): chr16:84,172,340, A>T. VCF-style: chr16-84172340-A-T. GRCh37 (hg19) VCF-style: chr16-84205946-A-T.
Other names: c.901A>T, p.Ile301Phe (NM_001318756.1); short protein forms I537F, I301F.
Identifiers: ClinVar variation 3272500 (VCV003272500.1).